The following is an entry in ClinVar:

ClinVar aggregate classification (germline): Conflicting classifications of pathogenicity. Review status: criteria provided, conflicting classifications (1 of 4 stars). 5 submissions from 5 submitters: Uncertain significance (1); Likely benign (3). 1 of the submissions does not count toward it. Last evaluated 2026-07-01.

Conditions:
IFT140-related disorder. Also called: IFT140-related condition.
Saldino-Mainzer syndrome (SRTD9). Also called: SHORT-RIB THORACIC DYSPLASIA 9 WITHOUT POLYDACTYLY; CONORENAL SYNDROME; short-rib thoracic dysplasia 9 with or without polydactyly; Renal dysplasia, retinal pigmentary dystrophy, cerebellar ataxia and skeletal dysplasia. Identifiers: Orphanet 140969, MedGen C1849437, MONDO:0009964, OMIM 266920.

Allele frequency attached by ClinVar (database versions not stated): gnomAD 0.00003 and 0.00004; gnomAD exomes 0.00005 and 0.00012; ESP Exome Variant Server 0.00008; TOPMed 0.00008; ExAC 0.00012.
gnomAD v4.1: 74 of 1,613,432 alleles (0.0046%); highest among the groups gnomAD compares: Admixed American, 0.055%; no homozygotes.

Submissions (5):

CeGaT Center for Human Genetics Tuebingen
Classification: Likely benign. Last evaluated: 2026-07-01. Review status: criteria provided, single submitter. Criteria: CeGaT Center For Human Genetics Tuebingen Variant Classification Criteria Version 2. Collection method: clinical testing. Allele origin: germline. Affected: yes. Observed: 1 variant allele.
Comment: IFT140: BP4, BP7

Labcorp Genetics (formerly Invitae), Labcorp
Classification: Likely benign for Saldino-Mainzer syndrome. Last evaluated: 2025-10-14. Review status: criteria provided, single submitter. Criteria: Invitae Variant Classification Sherloc (09022015). Collection method: clinical testing. Allele origin: germline.

Blueprint Genetics
Classification: Likely benign. Last evaluated: 2024-10-11. Review status: criteria provided, single submitter. Criteria: ACMG Guidelines, 2015. Collection method: clinical testing. Allele origin: germline.

Eurofins Ntd Llc (ga)
Classification: Uncertain significance. Last evaluated: 2014-11-03. Review status: criteria provided, single submitter. Criteria: EGL Classification Definitions 2015. Collection method: clinical testing. Allele origin: germline. Observed: 1 variant allele, 1 heterozygote.

PreventionGenetics, part of Exact Sciences
Classification: Likely benign for IFT140-related condition. Last evaluated: 2024-09-23. Review status: no assertion criteria provided. Collection method: clinical testing. Allele origin: germline. Not counted in ClinVar's aggregate classification.
Comment: This variant is classified as likely benign based on ACMG/AMP sequence variant interpretation guidelines (Richards et al. 2015 PMID: 25741868, with internal and published modifications).

NM_014714.4(IFT140):c.3210G>A (p.Ala1070=)

Gene: IFT140 (intraflagellar transport 140; minus strand). Cytogenetic location: 16p13.3.
Variant type: single nucleotide variant.
Coding change: c.3210G>A on transcript NM_014714.4 (MANE Select); coding-DNA position 3210, G replaced by A.
Protein change: p.Ala1070=; no amino-acid change (alanine 1070 retained).
Molecular consequence: synonymous variant.
Genome position (GRCh38, 1-based): chr16:1,523,888, C>T on the plus strand (G>A on the coding strand, the complement: IFT140 is on the minus strand). VCF-style: chr16-1523888-C-T. GRCh37 (hg19) VCF-style: chr16-1573889-C-T.
Identifiers: ClinVar variation 195892 (VCV000195892.18), dbSNP rs372233286, ClinGen allele CA242559.